The following is an entry in ClinVar:

NM_005159.5(ACTC1):c.1A>T (p.Met1Leu)

Genes: ACTC1 (actin alpha cardiac muscle 1; minus strand), GJD2-DT (GJD2 divergent transcript; plus strand). Cytogenetic location: 15q14.
Variant type: single nucleotide variant.
Coding change: c.1A>T on transcript NM_005159.5 (MANE Select); coding-DNA position 1, A replaced by T.
Protein change: p.Met1Leu; changes the start codon (methionine 1).
Molecular consequence: missense variant, initiator codon variant.
Genome position (GRCh38, 1-based): chr15:34,794,808, T>A on the plus strand (A>T on the coding strand, the complement: ACTC1 is on the minus strand). VCF-style: chr15-34794808-T-A. GRCh37 (hg19) VCF-style: chr15-35087009-T-A.
Other names: c.1A>T, p.Met1Leu (NM_001406482.1, NM_001406483.1); short protein forms M1L.
Identifiers: ClinVar variation 2625261 (VCV002625261.2), dbSNP rs1891784379, ClinGen allele CA391633546.

ClinVar aggregate classification (germline): Uncertain significance (1 of 4 stars; one submission).

Conditions:
Cardiovascular phenotype. Identifiers: MedGen CN230736.

Submission:

Ambry Genetics
Classification: Uncertain significance for Cardiovascular phenotype. Last evaluated: 2023-07-24. Review status: criteria provided, single submitter. Criteria: Ambry Variant Classification Scheme 2023. Collection method: clinical testing. Allele origin: germline.
Comment: The p.M1? variant (also known as c.1A>T) is located in coding exon 1 of the ACTC1 gene and results from an A to T substitution at nucleotide position 1. This alters the methionine residue at the initiation codon (ATG). Sequence variations that modify the initiation codon are expected to result in either loss of translation initiation, N-terminal truncation, or cause a shift in the mRNA reading frame. However, loss of function of ACTC1 has not been established as a mechanism of disease. Since supporting evidence is limited at this time, the clinical significance of this alteration remains unclear.